The following is an entry in ClinVar:

ClinVar aggregate classification (germline): Conflicting classifications of pathogenicity. Review status: criteria provided, conflicting classifications (1 of 4 stars). 3 submissions from 3 submitters: Uncertain significance (2); Likely benign (1). Last evaluated 2026-03-03.

Conditions:
Hereditary cancer-predisposing syndrome. Also called: Hereditary Cancer Syndrome; Neoplastic Syndromes, Hereditary; Tumor predisposition; Hereditary neoplastic syndrome. Identifiers: Orphanet 140162, MedGen C0027672, MeSH D009386, MONDO:0015356.
Hereditary breast ovarian cancer syndrome. Also called: Breast and ovarian cancer; Hereditary breast and ovarian cancer; Hereditary breast and ovarian cancer syndrome (HBOC); BRCA1- and BRCA2-Associated Hereditary Breast and Ovarian Cancer; Hereditary breast and ovarian cancer syndrome; Hereditary breast and/or ovarian cancer syndrome. Identifiers: Orphanet 145, MedGen C0677776, MeSH D061325, MONDO:0003582. Disease mechanism: loss of function.

gnomAD v4.1: 1 of 1,614,184 alleles (0.000062%); highest among the groups gnomAD compares: Non-Finnish European, 0.000085%; no homozygotes.

Submissions (3):

Ambry Genetics
Classification: Uncertain significance for Hereditary cancer-predisposing syndrome. Last evaluated: 2026-03-03. Review status: criteria provided, single submitter. Criteria: Ambry Variant Classification Scheme 2023. Collection method: clinical testing. Allele origin: germline.
Comment: The p.L1285F variant (also known as c.3853C>T), located in coding exon 9 of the BRCA1 gene, results from a C to T substitution at nucleotide position 3853. The leucine at codon 1285 is replaced by phenylalanine, an amino acid with highly similar properties. This amino acid position is not well conserved in available vertebrate species. In addition, the in silico prediction for this alteration is inconclusive. Based on the available evidence, the clinical significance of this variant remains unclear.

University of Washington Department of Laboratory Medicine, University of Washington
Classification: Likely benign for Hereditary cancer-predisposing syndrome. Last evaluated: 2023-03-23. Review status: criteria provided, single submitter. Criteria: Dines et al. (Genet Med. 2020). Collection method: curation. Allele origin: germline.
Comment: Missense variant in a coldspot region where missense variants are very unlikely to be pathogenic (PMID:31911673).

BRCA1 coldspot (exon 11 using historical exon numbering). Reclassification based on statistical prior probability

Labcorp Genetics (formerly Invitae), Labcorp
Classification: Uncertain significance for Hereditary breast ovarian cancer syndrome. Last evaluated: 2020-01-08. Review status: criteria provided, single submitter. Criteria: Invitae Variant Classification Sherloc (09022015). Collection method: clinical testing. Allele origin: germline.
Comment: This sequence change replaces leucine with phenylalanine at codon 1285 of the BRCA1 protein (p.Leu1285Phe). The leucine residue is moderately conserved and there is a small physicochemical difference between leucine and phenylalanine. This variant is not present in population databases (ExAC no frequency). This variant has not been reported in the literature in individuals with BRCA1-related conditions. Algorithms developed to predict the effect of missense changes on protein structure and function output the following: SIFT: "Tolerated"; PolyPhen-2: "Benign"; Align-GVGD: "Class C0". The phenylalanine amino acid residue is found in multiple mammalian species, suggesting that this missense change does not adversely affect protein function. These predictions have not been confirmed by published functional studies and their clinical significance is uncertain. In summary, the available evidence is currently insufficient to determine the role of this variant in disease. Therefore, it has been classified as a Variant of Uncertain Significance.

NM_007294.4(BRCA1):c.3853C>T (p.Leu1285Phe)

Genes: BRCA1 (BRCA1 DNA repair associated; minus strand), LOC126862571 (BRD4-independent group 4 enhancer GRCh37_chr17:41243136-41244335; plus strand). Cytogenetic location: 17q21.31.
Variant type: single nucleotide variant.
Coding change: c.3853C>T on transcript NM_007294.4 (MANE Select); coding-DNA position 3853, C replaced by T.
Protein change: p.Leu1285Phe; replaces leucine 1285 with phenylalanine.
Molecular consequence: missense variant. On other transcripts: intron variant (135).
Genome position (GRCh38, 1-based): chr17:43,091,678, G>A on the plus strand (C>T on the coding strand, the complement: BRCA1 is on the minus strand). VCF-style: chr17-43091678-G-A. GRCh37 (hg19) VCF-style: chr17-41243695-G-A.
Other names: c.3640C>T, p.Leu1214Phe (NM_001407571.1, NM_001407853.1, NM_001407894.1 and 9 more transcripts); c.3853C>T, p.Leu1285Phe (NM_001407581.1, NM_001407582.1, NM_001407583.1 and 30 more transcripts); c.3850C>T, p.Leu1284Phe (NM_001407587.1, NM_001407590.1, NM_001407591.1 and 22 more transcripts); c.3844C>T, p.Leu1282Phe (NM_001407646.1, NM_001407647.1); c.3730C>T, p.Leu1244Phe (NM_001407648.1, NM_001407664.1, NM_001407665.1 and 19 more transcripts); c.3727C>T, p.Leu1243Phe (NM_001407649.1, NM_001407670.1, NM_001407671.1 and 11 more transcripts); c.3775C>T, p.Leu1259Phe (NM_001407653.1, NM_001407654.1, NM_001407655.1 and 4 more transcripts); c.3772C>T, p.Leu1258Phe (NM_001407659.1, NM_001407660.1, NM_001407661.1 and 1 more transcripts); and 41 more; short protein forms L1238F, L1285F, L1174F, L1196F, L1215F, L1259F, L1282F, L1284F.
Identifiers: ClinVar variation 1056581 (VCV001056581.21), dbSNP rs2154281078, ClinGen allele CA10594256.